The following is an entry in ClinVar:

NM_002335.4(LRP5):c.3055G>A (p.Gly1019Ser)

Gene: LRP5 (LDL receptor related protein 5; plus strand). Cytogenetic location: 11q13.2.
Variant type: single nucleotide variant.
Coding change: c.3055G>A on transcript NM_002335.4 (MANE Select); coding-DNA position 3055, G replaced by A.
Protein change: p.Gly1019Ser; replaces glycine 1019 with serine.
Molecular consequence: missense variant.
Genome position (GRCh38, 1-based): chr11:68,423,516, G>A. VCF-style: chr11-68423516-G-A. GRCh37 (hg19) VCF-style: chr11-68190984-G-A.
Other names: c.1312G>A, p.Gly438Ser (NM_001291902.2); short protein forms G1019S, G438S.
Identifiers: ClinVar variation 2086595 (VCV002086595.4), dbSNP rs1456386259, ClinGen allele CA381620612.

ClinVar aggregate classification (germline): Uncertain significance (1 of 4 stars; one submission).

Allele frequency attached by ClinVar (database versions not stated): TOPMed below 0.00001; gnomAD 0.00001.
gnomAD v4.1: 3 of 1,614,082 alleles (0.00019%); highest among the groups gnomAD compares: African/African-American, 0.004%; no homozygotes.

Submission:

Labcorp Genetics (formerly Invitae), Labcorp
Classification: Uncertain significance. Last evaluated: 2022-09-01. Review status: criteria provided, single submitter. Criteria: Invitae Variant Classification Sherloc (09022015). Collection method: clinical testing. Allele origin: germline.
Comment: This sequence change replaces glycine, which is neutral and non-polar, with serine, which is neutral and polar, at codon 1019 of the LRP5 protein (p.Gly1019Ser). This variant is not present in population databases (gnomAD no frequency). This variant has not been reported in the literature in individuals affected with LRP5-related conditions. Advanced modeling of protein sequence and biophysical properties (such as structural, functional, and spatial information, amino acid conservation, physicochemical variation, residue mobility, and thermodynamic stability) performed at Invitae indicates that this missense variant is not expected to disrupt LRP5 protein function. In summary, the available evidence is currently insufficient to determine the role of this variant in disease. Therefore, it has been classified as a Variant of Uncertain Significance.